The following is an entry in ClinVar:

ClinVar aggregate classification (germline): Likely benign. Review status: criteria provided, multiple submitters, no conflicts (2 of 4 stars). 4 submissions from 4 submitters: Likely benign (3). 1 of the submissions does not count toward it. Last evaluated 2025-12-16.

Conditions:
Bardet-Biedl syndrome (BBS). Identifiers: Orphanet 110, MedGen C0752166, MONDO:0015229.
BBS12-related disorder. Also called: BBS12-related condition.

Allele frequency attached by ClinVar (database versions not stated): ESP Exome Variant Server 0.00008; gnomAD 0.00008 and 0.00007; gnomAD exomes 0.00008 and 0.00011; TOPMed 0.00005; ExAC 0.00008; 1000 Genomes Project 0.00020; 1000 Genomes Project 30x 0.00031.
gnomAD v4.1: 167 of 1,614,276 alleles (0.01%); highest among the groups gnomAD compares: Middle Eastern, 0.016%; no homozygotes.

Submissions (4):

Labcorp Genetics (formerly Invitae), Labcorp
Classification: Likely benign for Bardet-Biedl syndrome. Last evaluated: 2025-12-16. Review status: criteria provided, single submitter. Criteria: Invitae Variant Classification Sherloc (09022015). Collection method: clinical testing. Allele origin: germline.

Mayo Clinic Laboratories, Mayo Clinic
Classification: Likely benign. Last evaluated: 2025-02-11. Review status: criteria provided, single submitter. Criteria: ACMG Guidelines, 2015. Collection method: clinical testing. Allele origin: germline. Observed: 1 variant allele.
Comment: BP4, BP7

Blueprint Genetics
Classification: Likely benign. Last evaluated: 2024-09-04. Review status: criteria provided, single submitter. Criteria: ACMG Guidelines, 2015. Collection method: clinical testing. Allele origin: germline.

PreventionGenetics, part of Exact Sciences
Classification: Likely benign for BBS12-related condition. Last evaluated: 2019-10-24. Review status: no assertion criteria provided. Collection method: clinical testing. Allele origin: germline. Not counted in ClinVar's aggregate classification.
Comment: This variant is classified as likely benign based on ACMG/AMP sequence variant interpretation guidelines (Richards et al. 2015 PMID: 25741868, with internal and published modifications).

NM_152618.3(BBS12):c.1185G>A (p.Leu395=)

Gene: BBS12 (Bardet-Biedl syndrome 12; plus strand). Cytogenetic location: 4q27.
Variant type: single nucleotide variant.
Coding change: c.1185G>A on transcript NM_152618.3 (MANE Select); coding-DNA position 1185, G replaced by A.
Protein change: p.Leu395=; no amino-acid change (leucine 395 retained).
Molecular consequence: synonymous variant.
Genome position (GRCh38, 1-based): chr4:122,743,077, G>A. VCF-style: chr4-122743077-G-A. GRCh37 (hg19) VCF-style: chr4-123664232-G-A.
Other names: p.Leu395=; c.1185G>A, p.Leu395= (NM_001178007.2).
Identifiers: ClinVar variation 695244 (VCV000695244.14), dbSNP rs377611257, ClinGen allele CA3069391.